The following is an entry in ClinVar:

ClinVar aggregate classification (germline): Benign (0 of 4 stars; one submission).

Conditions:
ARMC2-related disorder. Also called: ARMC2-related condition.

Allele frequency attached by ClinVar (database versions not stated): TOPMed 0.01296; ESP Exome Variant Server 0.01361; ExAC 0.01545; gnomAD 0.01156; 1000 Genomes Project 0.01178; 1000 Genomes Project 30x 0.01202.
gnomAD v4.1: 24,608 of 1,613,948 alleles (1.5%); highest among the groups gnomAD compares: Middle Eastern, 4.2%; 280 homozygotes.

Submission:

PreventionGenetics, part of Exact Sciences
Classification: Benign for ARMC2-related condition. Last evaluated: 2019-11-08. Review status: no assertion criteria provided. Collection method: clinical testing. Allele origin: germline.
Comment: This variant is classified as benign based on ACMG/AMP sequence variant interpretation guidelines (Richards et al. 2015 PMID: 25741868, with internal and published modifications).

NM_032131.6(ARMC2):c.1779G>A (p.Ala593=)

Gene: ARMC2 (armadillo repeat containing 2; plus strand). Cytogenetic location: 6q21.
Variant type: single nucleotide variant.
Coding change: c.1779G>A on transcript NM_032131.6 (MANE Select); coding-DNA position 1779, G replaced by A.
Protein change: p.Ala593=; no amino-acid change (alanine 593 retained).
Molecular consequence: synonymous variant.
Genome position (GRCh38, 1-based): chr6:108,953,215, G>A. VCF-style: chr6-108953215-G-A. GRCh37 (hg19) VCF-style: chr6-109274418-G-A.
Other names: c.1284G>A, p.Ala428= (NM_001286609.2).
Identifiers: ClinVar variation 3060107 (VCV003060107.2), dbSNP rs41287540, ClinGen allele CA3950016.